The following is an entry in ClinVar:

NM_000540.3(RYR1):c.8461T>C (p.Trp2821Arg)

Genes: RYR1 (ryanodine receptor 1; plus strand), LOC126862902 (BRD4-independent group 4 enhancer GRCh37_chr19:38995830-38997029; plus strand). Cytogenetic location: 19q13.2.
Variant type: single nucleotide variant.
Coding change: c.8461T>C on transcript NM_000540.3 (MANE Select); coding-DNA position 8461, T replaced by C.
Protein change: p.Trp2821Arg; replaces tryptophan 2821 with arginine.
Molecular consequence: missense variant.
Genome position (GRCh38, 1-based): chr19:38,505,866, T>C. VCF-style: chr19-38505866-T-C. GRCh37 (hg19) VCF-style: chr19-38996506-T-C.
Other names: c.8461T>C, p.Trp2821Arg (NM_001042723.2); short protein forms W2821R.
Identifiers: ClinVar variation 3776009 (VCV003776009.1).

ClinVar aggregate classification (germline): Uncertain significance (1 of 4 stars; one submission).

Conditions:
Congenital multicore myopathy with external ophthalmoplegia (CMYO1B). Also called: Minicore myopathy with external ophthalmoplegia; MULTIMINICORE DISEASE WITH EXTERNAL OPHTHALMOPLEGIA; MULTICORE MYOPATHY; Congenital myopathy 1B, autosomal recessive; Minicore myopathy. Identifiers: Orphanet 598, Orphanet 98905, MedGen C1850674, MONDO:0009712, OMIM 255320, HP:0003789.

gnomAD v4.1: 1 of 1,613,846 alleles (0.000062%); highest among the groups gnomAD compares: Non-Finnish European, 0.000085%; no homozygotes.

Submission:

3billion
Classification: Uncertain significance for Congenital multicore myopathy with external ophthalmoplegia. Last evaluated: 2024-01-08. Review status: criteria provided, single submitter. Criteria: ACMG Guidelines, 2015. Collection method: clinical testing. Allele origin: germline. Affected: yes.
Comment: The variant is not observed in the gnomAD v2.1.1 dataset. Predicted Consequence/Location: Missense variant In silico tool predictions suggest damaging effect of the variant on gene or gene product [REVEL: 0.79 (>=0.6, sensitivity 0.68 and specificity 0.92)]. Therefore, this variant is classified as VUS according to the recommendation of ACMG/AMP guideline.